The following is an entry in ClinVar:

NM_001754.5(RUNX1):c.12C>G (p.Asp4Glu)

Gene: RUNX1 (RUNX family transcription factor 1; minus strand). Cytogenetic location: 21q22.12.
Variant type: single nucleotide variant.
Coding change: c.12C>G on transcript NM_001754.5 (MANE Select); coding-DNA position 12, C replaced by G.
Protein change: p.Asp4Glu; replaces aspartic acid 4 with glutamic acid.
Molecular consequence: missense variant.
Genome position (GRCh38, 1-based): chr21:35,048,888, G>C on the plus strand (C>G on the coding strand, the complement: RUNX1 is on the minus strand). VCF-style: chr21-35048888-G-C. GRCh37 (hg19) VCF-style: chr21-36421185-G-C.
Other names: NM_001754.5(RUNX1):c.12C>G; p.Asp4Glu; short protein forms D4E.
Identifiers: ClinVar variation 1003366 (VCV001003366.10), dbSNP rs2059419520, ClinGen allele CA410208290.
Genomic context (GRCh38, chr21:35,048,888, plus strand): 5'-CAGCATGTACTCACCTCTCATGAAGCACTGTGGGTACGAAGGAAATGACTCAAATATGCT[G>C]TCTGAAGCCATCGCTTCCTCCTGAAAATGCACCCTCTTCTGAAGGCGGGGGACTCAATGA-3'
Protein context (NP_001745.2, residues 1-14): MAS[Asp4Glu]SIFESFPSYP

ClinVar aggregate classification (germline): Uncertain significance. Review status: reviewed by expert panel (3 of 4 stars). 2 submissions from 2 submitters: Uncertain significance (1). 1 of the submissions does not count toward it. Last evaluated 2024-09-25.

Conditions:
Hereditary thrombocytopenia and hematological cancer predisposition syndrome associated with RUNX1. Also called: Familial thrombocytopenia with propensity to acute myelogenous leukemia; PLATELET DISORDER, ASPIRIN-LIKE; RUNX1 Familial Platelet Disorder with Associated Myeloid Malignancies; Familial Platelet Disorder with Propensity to Acute Myelogenous Leukemia. Identifiers: Orphanet 71290, MedGen C1832388, MeSH C563324, MONDO:0100083, OMIM 601399.
Hereditary thrombocytopenia and hematologic cancer predisposition syndrome. Identifiers: Orphanet 71290, MedGen CN281654, MONDO:0011071.

Submissions (2):

ClinGen Myeloid Malignancy Variant Curation Expert Panel
Classification: Uncertain significance for Hereditary thrombocytopenia and hematologic cancer predisposition syndrome. Last evaluated: 2024-09-25. Review status: reviewed by expert panel. Criteria: ClinGen MyeloMalig ACMG Specifications v2. Collection method: curation. Allele origin: germline. Inheritance: Autosomal dominant inheritance.
Comment: NM_001754.5(RUNX1):c.12C>G (p.Asp4Glu) is a missense variant. This missense variant has a REVEL score <0.50 (0.257) (BP4). This variant is completely absent from all population databases with at least 20x coverage for RUNX1 (PM2_supporting). In summary, the clinical significance of this variant is uncertain. ACMG/AMP criteria applied, as specified by the Myeloid Malignancy Variant Curation Expert Panel for RUNX1: PM2_supporting, BP4.

Labcorp Genetics (formerly Invitae), Labcorp
Classification: Uncertain significance for Hereditary thrombocytopenia and hematological cancer predisposition syndrome associated with RUNX1. Last evaluated: 2024-07-12. Review status: criteria provided, single submitter. Criteria: Invitae Variant Classification Sherloc (09022015). Collection method: clinical testing. Allele origin: germline. Not counted in ClinVar's aggregate classification.
Comment: This sequence change replaces aspartic acid, which is acidic and polar, with glutamic acid, which is acidic and polar, at codon 4 of the RUNX1 protein (p.Asp4Glu). This variant is not present in population databases (gnomAD no frequency). This variant has not been reported in the literature in individuals affected with RUNX1-related conditions. ClinVar contains an entry for this variant (Variation ID: 1003366). An algorithm developed to predict the effect of missense changes on protein structure and function outputs the following: PolyPhen-2: "Benign". The glutamic acid amino acid residue is found in multiple mammalian species, which suggests that this missense change does not adversely affect protein function. In summary, the available evidence is currently insufficient to determine the role of this variant in disease. Therefore, it has been classified as a Variant of Uncertain Significance.